The following is an entry in ClinVar:

ClinVar aggregate classification (germline): Uncertain significance (1 of 4 stars; one submission).

Submission:

Labcorp Genetics (formerly Invitae), Labcorp
Classification: Uncertain significance. Last evaluated: 2025-04-11. Review status: criteria provided, single submitter. Criteria: Invitae Variant Classification Sherloc (09022015). Collection method: clinical testing. Allele origin: germline.
Comment: This variant, c.557_562del, results in the deletion of 2 amino acid(s) of the SON protein (p.Val186_Leu187del), but otherwise preserves the integrity of the reading frame. This variant is present in population databases (no rsID available, gnomAD no frequency). This variant has not been reported in the literature in individuals affected with SON-related conditions. Experimental studies and prediction algorithms are not available or were not evaluated, and the functional significance of this variant is currently unknown. In summary, the available evidence is currently insufficient to determine the role of this variant in disease. Therefore, it has been classified as a Variant of Uncertain Significance.

NM_138927.4(SON):c.557_562del (p.Val186_Leu187del)

Gene: SON (SON DNA and RNA binding protein; plus strand). Cytogenetic location: 21q22.11.
Variant type: Deletion.
Coding change: c.557_562del on transcript NM_138927.4 (MANE Select); coding-DNA positions 557 to 562, 6 bases deleted (TGCTAG; older notation c.557_562delTGCTAG).
Protein change: p.Val186_Leu187del.
Molecular consequence: inframe deletion. On other transcripts: non-coding transcript variant (1), intron variant (1).
Genome position (GRCh38, 1-based): chr21:33,549,788-33,549,793, TGCTAG deleted; deleting any 6 consecutive bases within chr21:33,549,787-33,549,793 gives the same sequence; the c. name uses the placement nearest the transcript's 3' end. VCF-style (leftmost placement, unchanged base first): chr21-33549786-TGTGCTA-T. GRCh37 (hg19) VCF-style: chr21-34922092-TGTGCTA-T.
Other names: c.557_562del, p.Val186_Leu187del (NM_001291411.2, NM_032195.3); c.244+3409_244+3414del (NM_001291412.3).
Identifiers: ClinVar variation 4694903 (VCV004694903.1).
Genomic context (GRCh38, chr21:33,549,786, plus strand): 5'-GGCGCTGGAGCTTCCTACAAGAGCATTTGGCCCATCTGAGACCAATGAATCCCCTGCAGT[TGTGCTA>T]GAACCTCCTGTAGTATCAATGGAGGTATCAGAGCCACACATCTTAGAAACTCTGAAGCCA-3'